The following is an entry in ClinVar:

NM_018979.4(WNK1):c.314C>G (p.Pro105Arg)

Gene: WNK1 (WNK lysine deficient protein kinase 1; plus strand). Cytogenetic location: 12p13.33.
Variant type: single nucleotide variant.
Coding change: c.314C>G on transcript NM_018979.4 (MANE Select); coding-DNA position 314, C replaced by G.
Protein change: p.Pro105Arg; replaces proline 105 with arginine.
Molecular consequence: missense variant.
Genome position (GRCh38, 1-based): chr12:753,879, C>G. VCF-style: chr12-753879-C-G. GRCh37 (hg19) VCF-style: chr12-863045-C-G.
Other names: c.314C>G, p.Pro105Arg (NM_001184985.2, NM_014823.3, NM_213655.5); short protein forms P105R.
Identifiers: ClinVar variation 538505 (VCV000538505.10), dbSNP rs142165599, ClinGen allele CA6381753.

ClinVar aggregate classification (germline): Uncertain significance. Review status: criteria provided, multiple submitters, no conflicts (2 of 4 stars). 2 submissions from 2 submitters: Uncertain significance (2). Last evaluated 2022-06-14.

Conditions:
Inborn genetic diseases. Identifiers: MedGen C0950123, MeSH D030342.
Neuropathy, hereditary sensory and autonomic, type 2A (HSAN2A). Also called: HSAN IIA; WNK1-Related HSAN2 (HSAN2A); MORVAN DISEASE; NEUROPATHY, CONGENITAL SENSORY; NEUROPATHY, HEREDITARY SENSORY RADICULAR, AUTOSOMAL RECESSIVE; NEUROPATHY, HEREDITARY SENSORY, TYPE IIA. Identifiers: Orphanet 970, MedGen C2752089, MONDO:0024309, OMIM 201300.
Pseudohypoaldosteronism type 2C (PHA2C). Also called: Pseudohypoaldosteronism Type IIC. Identifiers: Orphanet 757, Orphanet 88940, MedGen C1840391, MONDO:0013778, OMIM 614492.

Allele frequency attached by ClinVar (database versions not stated): TOPMed below 0.00001; ExAC 0.00001; gnomAD exomes 0.00001; ESP Exome Variant Server 0.00008.
gnomAD v4.1: 8 of 1,612,316 alleles (0.0005%); highest among the groups gnomAD compares: Non-Finnish European, 0.00068%; no homozygotes.

Submissions (2):

Labcorp Genetics (formerly Invitae), Labcorp
Classification: Uncertain significance for Neuropathy, hereditary sensory and autonomic, type 2A; Pseudohypoaldosteronism type 2C. Last evaluated: 2022-06-14. Review status: criteria provided, single submitter. Criteria: Invitae Variant Classification Sherloc (09022015). Collection method: clinical testing. Allele origin: germline.
Comment: In summary, the available evidence is currently insufficient to determine the role of this variant in disease. Therefore, it has been classified as a Variant of Uncertain Significance. Advanced modeling of protein sequence and biophysical properties (such as structural, functional, and spatial information, amino acid conservation, physicochemical variation, residue mobility, and thermodynamic stability) performed at Invitae indicates that this missense variant is not expected to disrupt WNK1 protein function. ClinVar contains an entry for this variant (Variation ID: 538505). This variant has not been reported in the literature in individuals affected with WNK1-related conditions. This variant is present in population databases (rs142165599, gnomAD 0.003%). This sequence change replaces proline, which is neutral and non-polar, with arginine, which is basic and polar, at codon 105 of the WNK1 protein (p.Pro105Arg).

Ambry Genetics
Classification: Uncertain significance for Inborn genetic diseases. Last evaluated: 2021-02-02. Review status: criteria provided, single submitter. Criteria: Ambry Variant Classification Scheme 2023. Collection method: clinical testing. Allele origin: germline.
Comment: The p.P105R variant (also known as c.314C>G), located in coding exon 1 of the WNK1 gene, results from a C to G substitution at nucleotide position 314. The proline at codon 105 is replaced by arginine, an amino acid with dissimilar properties. This amino acid position is not well conserved in available vertebrate species, and arginine is the reference amino acid in other vertebrate species. In addition, this alteration is predicted to be tolerated by in silico analysis. Since supporting evidence is limited at this time, the clinical significance of this alteration remains unclear.